The following is an entry in ClinVar:

ClinVar aggregate classification (germline): Conflicting classifications of pathogenicity. Review status: criteria provided, conflicting classifications (1 of 4 stars). 2 submissions from 2 submitters: Uncertain significance (1); Likely benign (1). Last evaluated 2023-04-10.

Conditions:
Lynch syndrome. Identifiers: Orphanet 144, MedGen C4552100, MONDO:0005835. Disease mechanism: loss of function.
Hereditary cancer-predisposing syndrome. Also called: Neoplastic Syndromes, Hereditary; Tumor predisposition; Hereditary Cancer Syndrome; Hereditary neoplastic syndrome. Identifiers: Orphanet 140162, MedGen C0027672, MeSH D009386, MONDO:0015356.

gnomAD v4.1: 1 of 1,609,848 alleles (0.000062%); highest among the groups gnomAD compares: Non-Finnish European, 0.000085%; no homozygotes.

Submissions (2):

All of Us Research Program, National Institutes of Health
Classification: Uncertain significance for Lynch syndrome. Last evaluated: 2023-04-10. Review status: criteria provided, single submitter. Criteria: ACMG Guidelines, 2015. Collection method: clinical testing. Allele origin: germline. Inheritance: Autosomal dominant inheritance. Observed: 1 variant allele, 1 heterozygote.
Comment: This synonymous variant causes an A>G nucleotide change in exon 4 of the MSH6 gene. To our knowledge, functional studies have not been reported for this variant. This variant has not been reported in individuals affected with MSH6-related disorders in the literature. This variant has not been identified in the general population by the Genome Aggregation Database (gnomAD). The available evidence is insufficient to determine the role of this variant in disease conclusively. Therefore, this variant is classified as a Variant of Uncertain Significance.

This study involves interpretation of variants in research participants for the purpose of population health screening. Participant phenotype was not available at the time of variant classification. Additional details can be found in publication PMID: 35346344, PMCID: PMC8962531

Ambry Genetics
Classification: Likely benign for Hereditary cancer-predisposing syndrome. Last evaluated: 2021-04-20. Review status: criteria provided, single submitter. Criteria: Ambry Variant Classification Scheme 2023. Collection method: clinical testing. Allele origin: germline.

NM_000179.3(MSH6):c.630A>G (p.Val210=)

Gene: MSH6 (mutS homolog 6; plus strand). Cytogenetic location: 2p16.3.
Variant type: single nucleotide variant.
Coding change: c.630A>G on transcript NM_000179.3 (MANE Select); coding-DNA position 630, A replaced by G.
Protein change: p.Val210=; no amino-acid change (valine 210 retained).
Molecular consequence: synonymous variant. On other transcripts: 5 prime UTR variant (8), non-coding transcript variant (4), intron variant (1), splice acceptor variant (1).
Genome position (GRCh38, 1-based): chr2:47,798,613, A>G. VCF-style: chr2-47798613-A-G. GRCh37 (hg19) VCF-style: chr2-48025752-A-G.
Other names: c.240A>G, p.Val80= (NM_001281492.2); c.-277A>G (NM_001281493.2, NM_001406811.1, NM_001406812.1 and 5 more transcripts); c.726A>G, p.Val242= (NM_001406795.1, NM_001406802.1); c.630A>G, p.Val210= (NM_001406796.1, NM_001406798.1, NM_001406800.1 and 4 more transcripts); c.333A>G, p.Val111= (NM_001406797.1, NM_001406801.1, NM_001406805.1 and 10 more transcripts); c.105A>G, p.Val35= (NM_001406799.1, NM_001406806.1, NM_001406807.1); c.552A>G, p.Val184= (NM_001406804.1); c.636A>G, p.Val212= (NM_001406813.1); and 3 more.
Identifiers: ClinVar variation 1752774 (VCV001752774.3), dbSNP rs1553412038, ClinGen allele CA425995746.
Genomic context (GRCh38, chr2:47,798,613, plus strand): 5'-TACATTATGGTTTTCCAAATTTTGATTTGTTTTTAAATACTCTTTCCTTGCCTGGCAGGT[A>G]GGCACAACTTACGTAACAGATAAGAGTGAAGAAGATAATGAAATTGAGAGTGAAGAGGAA-3'
Protein context (NP_000170.1, residues 200-220): SEPEEEEEME[Val210=]GTTYVTDKSE